The following is an entry in ClinVar:

NM_004260.4(RECQL4):c.134A>T (p.Tyr45Phe)

Genes: RECQL4 (RecQ like helicase 4; minus strand), LOC130001411 (ATAC-STARR-seq lymphoblastoid silent region 19699; plus strand). Cytogenetic location: 8q24.3.
Variant type: single nucleotide variant.
Coding change: c.134A>T on transcript NM_004260.4 (MANE Select); coding-DNA position 134, A replaced by T.
Protein change: p.Tyr45Phe; replaces tyrosine 45 with phenylalanine.
Molecular consequence: missense variant.
Genome position (GRCh38, 1-based): chr8:144,517,493, T>A on the plus strand (A>T on the coding strand, the complement: RECQL4 is on the minus strand). VCF-style: chr8-144517493-T-A. GRCh37 (hg19) VCF-style: chr8-145742877-T-A.
Other names: short protein forms Y45F.
Identifiers: ClinVar variation 528941 (VCV000528941.10), dbSNP rs748521485, ClinGen allele CA4949476.

ClinVar aggregate classification (germline): Uncertain significance. Review status: criteria provided, multiple submitters, no conflicts (2 of 4 stars). 2 submissions from 2 submitters: Uncertain significance (2). Last evaluated 2025-11-17.

Conditions:
Inborn genetic diseases. Identifiers: MedGen C0950123, MeSH D030342.
Baller-Gerold syndrome (BGS). Also called: CRANIOSYNOSTOSIS WITH RADIAL DEFECTS. Identifiers: Orphanet 1225, MedGen C0265308, MONDO:0009039, OMIM 218600.

Allele frequency attached by ClinVar (database versions not stated): gnomAD exomes below 0.00001; gnomAD 0.00002; TOPMed 0.00006.
gnomAD v4.1: 12 of 1,596,626 alleles (0.00075%); highest among the groups gnomAD compares: Admixed American, 0.012%; no homozygotes.

Submissions (2):

Labcorp Genetics (formerly Invitae), Labcorp
Classification: Uncertain significance for Baller-Gerold syndrome. Last evaluated: 2025-11-17. Review status: criteria provided, single submitter. Criteria: Invitae Variant Classification Sherloc (09022015). Collection method: clinical testing. Allele origin: germline.
Comment: This sequence change replaces tyrosine, which is neutral and polar, with phenylalanine, which is neutral and non-polar, at codon 45 of the RECQL4 protein (p.Tyr45Phe). This variant is present in population databases (rs748521485, gnomAD 0.001%). This variant has not been reported in the literature in individuals affected with RECQL4-related conditions. ClinVar contains an entry for this variant (Variation ID: 528941). Experimental studies and prediction algorithms are not available or were not evaluated, and the functional significance of this variant is currently unknown. In summary, the available evidence is currently insufficient to determine the role of this variant in disease. Therefore, it has been classified as a Variant of Uncertain Significance.

Ambry Genetics
Classification: Uncertain significance for Inborn genetic diseases. Last evaluated: 2024-12-08. Review status: criteria provided, single submitter. Criteria: Ambry Variant Classification Scheme 2023. Collection method: clinical testing. Allele origin: germline.
Comment: The p.Y45F variant (also known as c.134A>T), located in coding exon 3 of the RECQL4 gene, results from an A to T substitution at nucleotide position 134. The tyrosine at codon 45 is replaced by phenylalanine, an amino acid with highly similar properties. This amino acid position is conserved. In addition, the in silico prediction for this alteration is inconclusive. Based on the available evidence, the clinical significance of this variant remains unclear.